The following is an entry in ClinVar:

NM_004304.5(ALK):c.4361A>G (p.Lys1454Arg)

Gene: ALK (ALK receptor tyrosine kinase; minus strand). Cytogenetic location: 2p23.2.
Variant type: single nucleotide variant.
Coding change: c.4361A>G on transcript NM_004304.5 (MANE Select); coding-DNA position 4361, A replaced by G.
Protein change: p.Lys1454Arg; replaces lysine 1454 with arginine.
Molecular consequence: missense variant.
Genome position (GRCh38, 1-based): chr2:29,193,726, T>C on the plus strand (A>G on the coding strand, the complement: ALK is on the minus strand). VCF-style: chr2-29193726-T-C. GRCh37 (hg19) VCF-style: chr2-29416592-T-C.
Other names: c.1157A>G, p.Lys386Arg (NM_001353765.2); short protein forms K1454R, K386R.
Identifiers: ClinVar variation 3223902 (VCV003223902.3), dbSNP rs2148138588, ClinGen allele CA346462419.

ClinVar aggregate classification (germline): Uncertain significance. Review status: criteria provided, multiple submitters, no conflicts (2 of 4 stars). 2 submissions from 2 submitters: Uncertain significance (2). Last evaluated 2024-03-26.

Conditions:
Hereditary cancer-predisposing syndrome. Also called: Hereditary Cancer Syndrome; Tumor predisposition; Neoplastic Syndromes, Hereditary; Hereditary neoplastic syndrome. Identifiers: Orphanet 140162, MedGen C0027672, MeSH D009386, MONDO:0015356.
Neuroblastoma, susceptibility to, 3. Also called: ALK-Related Neuroblastic Tumor Susceptibility. Identifiers: Orphanet 635, MedGen C2751681, MONDO:0013083, OMIM 613014.

Allele frequency attached by ClinVar (database versions not stated): gnomAD exomes below 0.00001.
gnomAD v4.1: 1 of 1,605,996 alleles (0.000062%); highest among the groups gnomAD compares: Non-Finnish European, 0.000085%; no homozygotes.

Submissions (2):

Labcorp Genetics (formerly Invitae), Labcorp
Classification: Uncertain significance for Neuroblastoma, susceptibility to, 3. Last evaluated: 2024-03-26. Review status: criteria provided, single submitter. Criteria: Invitae Variant Classification Sherloc (09022015). Collection method: clinical testing. Allele origin: germline.
Comment: This sequence change replaces lysine, which is basic and polar, with arginine, which is basic and polar, at codon 1454 of the ALK protein (p.Lys1454Arg). This variant is not present in population databases (gnomAD no frequency). This variant has not been reported in the literature in individuals affected with ALK-related conditions. Algorithms developed to predict the effect of missense changes on protein structure and function output the following: SIFT: "Not Available"; PolyPhen-2: "Benign"; Align-GVGD: "Not Available". The arginine amino acid residue is found in multiple mammalian species, which suggests that this missense change does not adversely affect protein function. In summary, the available evidence is currently insufficient to determine the role of this variant in disease. Therefore, it has been classified as a Variant of Uncertain Significance.

Ambry Genetics
Classification: Uncertain significance for Hereditary cancer-predisposing syndrome. Last evaluated: 2023-11-30. Review status: criteria provided, single submitter. Criteria: Ambry Variant Classification Scheme 2023. Collection method: clinical testing. Allele origin: germline.
Comment: The p.K1454R variant (also known as c.4361A>G), located in coding exon 29 of the ALK gene, results from an A to G substitution at nucleotide position 4361. The lysine at codon 1454 is replaced by arginine, an amino acid with highly similar properties. This amino acid position is conserved. In addition, this alteration is predicted to be tolerated by in silico analysis. Since supporting evidence is limited at this time, the clinical significance of this alteration remains unclear.